The following is an entry in ClinVar:

ClinVar aggregate classification (germline): Uncertain significance (1 of 4 stars; one submission).

Submission:

GeneDx
Classification: Uncertain significance. Last evaluated: 2024-12-18. Review status: criteria provided, single submitter. Criteria: GeneDx Variant Classification Process June 2021. Collection method: clinical testing. Allele origin: germline. Affected: yes.
Comment: Not observed at significant frequency in large population cohorts (gnomAD); In silico analysis supports a deleterious effect on splicing; In silico analysis indicates that this missense variant does not alter protein structure/function; Has not been previously published as pathogenic or benign to our knowledge

NM_020706.2(SCAF4):c.953C>T (p.Ala318Val)

Gene: SCAF4 (SR-related CTD associated factor 4; minus strand). Cytogenetic location: 21q22.11.
Variant type: single nucleotide variant.
Coding change: c.953C>T on transcript NM_020706.2 (MANE Select); coding-DNA position 953, C replaced by T.
Protein change: p.Ala318Val; replaces alanine 318 with valine.
Molecular consequence: missense variant.
Genome position (GRCh38, 1-based): chr21:31,696,575, G>A on the plus strand (C>T on the coding strand, the complement: SCAF4 is on the minus strand). VCF-style: chr21-31696575-G-A. GRCh37 (hg19) VCF-style: chr21-33068888-G-A.
Other names: c.908C>T, p.Ala303Val (NM_001145444.1); c.953C>T, p.Ala318Val (NM_001145445.1); short protein forms A303V, A318V.
Identifiers: ClinVar variation 3906712 (VCV003906712.1).